The following is an entry in ClinVar:

NM_031935.3(HMCN1):c.1568T>C (p.Ile523Thr)

Gene: HMCN1 (hemicentin 1; plus strand). Cytogenetic location: 1q31.1.
Variant type: single nucleotide variant.
Coding change: c.1568T>C on transcript NM_031935.3 (MANE Select); coding-DNA position 1568, T replaced by C.
Protein change: p.Ile523Thr; replaces isoleucine 523 with threonine.
Molecular consequence: missense variant.
Genome position (GRCh38, 1-based): chr1:185,933,564, T>C. VCF-style: chr1-185933564-T-C. GRCh37 (hg19) VCF-style: chr1-185902696-T-C.
Other names: short protein forms I523T.
Identifiers: ClinVar variation 1978312 (VCV001978312.4), dbSNP rs186749819, ClinGen allele CA1291162.

ClinVar aggregate classification (germline): Uncertain significance (1 of 4 stars; one submission).

Allele frequency attached by ClinVar (database versions not stated): gnomAD 0.00001; gnomAD exomes 0.00001; ExAC 0.00002; 1000 Genomes Project 30x 0.00016; 1000 Genomes Project 0.00020.
gnomAD v4.1: 8 of 1,613,952 alleles (0.0005%); highest among the groups gnomAD compares: East Asian, 0.018%; no homozygotes.

Submission:

Labcorp Genetics (formerly Invitae), Labcorp
Classification: Uncertain significance. Last evaluated: 2022-05-13. Review status: criteria provided, single submitter. Criteria: Invitae Variant Classification Sherloc (09022015). Collection method: clinical testing. Allele origin: germline.
Comment: In summary, the available evidence is currently insufficient to determine the role of this variant in disease. Therefore, it has been classified as a Variant of Uncertain Significance. Algorithms developed to predict the effect of missense changes on protein structure and function are either unavailable or do not agree on the potential impact of this missense change (SIFT: "Deleterious"; PolyPhen-2: "Benign"; Align-GVGD: "Class C0"). This variant has not been reported in the literature in individuals affected with HMCN1-related conditions. This variant is present in population databases (rs186749819, gnomAD 0.02%). This sequence change replaces isoleucine, which is neutral and non-polar, with threonine, which is neutral and polar, at codon 523 of the HMCN1 protein (p.Ile523Thr).